The following is an entry in ClinVar:

ClinVar aggregate classification (germline): Likely benign. Review status: criteria provided, multiple submitters, no conflicts (2 of 4 stars). 2 submissions from 2 submitters: Likely benign (2). Last evaluated 2026-06-01.

Conditions:
Long QT syndrome (LQTS). Identifiers: MedGen C0023976, MeSH D008133, MONDO:0002442. Disease mechanism: loss of function. Inheritance: Various modes of inheritance.

Allele frequency attached by ClinVar (database versions not stated): gnomAD exomes below 0.00001; TOPMed 0.00001.

Submissions (2):

CeGaT Center for Human Genetics Tuebingen
Classification: Likely benign. Last evaluated: 2026-06-01. Review status: criteria provided, single submitter. Criteria: CeGaT Center For Human Genetics Tuebingen Variant Classification Criteria Version 2. Collection method: clinical testing. Allele origin: germline. Affected: yes. Observed: 2 variant alleles.
Comment: KCNH2: BP4, BP7

Labcorp Genetics (formerly Invitae), Labcorp
Classification: Likely benign for Long QT syndrome. Last evaluated: 2025-07-02. Review status: criteria provided, single submitter. Criteria: Invitae Variant Classification Sherloc (09022015). Collection method: clinical testing. Allele origin: germline.

NM_000238.4(KCNH2):c.2448C>G (p.Gly816=)

Gene: KCNH2 (potassium voltage-gated channel subfamily H member 2; minus strand). Cytogenetic location: 7q36.1.
Variant type: single nucleotide variant.
Coding change: c.2448C>G on transcript NM_000238.4 (MANE Select); coding-DNA position 2448, C replaced by G.
Protein change: p.Gly816=; no amino-acid change (glycine 816 retained).
Molecular consequence: synonymous variant.
Genome position (GRCh38, 1-based): chr7:150,949,000, G>C on the plus strand (C>G on the coding strand, the complement: KCNH2 is on the minus strand). VCF-style: chr7-150949000-G-C. GRCh37 (hg19) VCF-style: chr7-150646088-G-C.
Other names: c.1428C>G, p.Gly476= (NM_172057.3).
Identifiers: ClinVar variation 1129453 (VCV001129453.13), dbSNP rs41311000, ClinGen allele CA169074886.